The following is an entry in ClinVar:

ClinVar aggregate classification (germline): Likely benign. Review status: criteria provided, multiple submitters, no conflicts (2 of 4 stars). 2 submissions from 2 submitters: Likely benign (2). Last evaluated 2026-08-20.

Conditions:
PLEKHG5-related disorder. Also called: PLEKHG5-related condition.
Neuronopathy, distal hereditary motor, autosomal recessive 4. Also called: NEUROPATHY, DISTAL HEREDITARY MOTOR, AUTOSOMAL RECESSIVE 4; Autosomal recessive lower motor neuron disease with childhood onset. Identifiers: Orphanet 206580, MedGen C1970211, MONDO:0012608, OMIM 611067.
Charcot-Marie-Tooth disease recessive intermediate C. Also called: CHARCOT-MARIE-TOOTH NEUROPATHY, RECESSIVE INTERMEDIATE C. Identifiers: Orphanet 369867, MedGen C3809309, MONDO:0014154, OMIM 615376.

Allele frequency attached by ClinVar (database versions not stated): gnomAD 0.00005; 1000 Genomes Project 30x 0.00016; 1000 Genomes Project 0.00020.
gnomAD v4.1: 18 of 1,583,948 alleles (0.0011%); highest among the groups gnomAD compares: African/African-American, 0.02%; no homozygotes.

Submissions (2):

PreventionGenetics, part of Exact Sciences
Classification: Likely benign for PLEKHG5-related condition. Last evaluated: 2026-08-20. Review status: criteria provided, single submitter. Criteria: ACMG Guidelines, 2015. Collection method: clinical testing. Allele origin: germline.
Comment: This variant is classified as likely benign based on ACMG/AMP sequence variant interpretation guidelines (Richards et al. 2015 PMID: 25741868, with internal and published modifications).

Labcorp Genetics (formerly Invitae), Labcorp
Classification: Likely benign for Neuronopathy, distal hereditary motor, autosomal recessive 4; Charcot-Marie-Tooth disease recessive intermediate C. Last evaluated: 2026-01-24. Review status: criteria provided, single submitter. Criteria: Invitae Variant Classification Sherloc (09022015). Collection method: clinical testing. Allele origin: germline.

NM_020631.6(PLEKHG5):c.1617G>T (p.Ala539=)

Gene: PLEKHG5 (pleckstrin homology and RhoGEF domain containing G5; minus strand). Cytogenetic location: 1p36.31.
Variant type: single nucleotide variant.
Coding change: c.1617G>T on transcript NM_020631.6 (MANE Select); coding-DNA position 1617, G replaced by T.
Protein change: p.Ala539=; no amino-acid change (alanine 539 retained).
Molecular consequence: synonymous variant.
Genome position (GRCh38, 1-based): chr1:6,470,569, C>A on the plus strand (G>T on the coding strand, the complement: PLEKHG5 is on the minus strand). VCF-style: chr1-6470569-C-A. GRCh37 (hg19) VCF-style: chr1-6530629-C-A.
Other names: c.1728G>T, p.Ala576= (NM_001042663.3, NM_001265592.2); c.1617G>T, p.Ala539= (NM_001042664.2, NM_001042665.2, NM_001265594.3 and 1 more transcripts); c.1824G>T, p.Ala608= (NM_001265593.2); c.1617G>T (NM_020631.4).
Identifiers: ClinVar variation 1581859 (VCV001581859.9), dbSNP rs545959722, ClinGen allele CA561445.